The following is an entry in ClinVar:

NM_025179.4(PLXNA2):c.2451C>T (p.Ala817=)

Gene: PLXNA2 (plexin A2; minus strand). Cytogenetic location: 1q32.2.
Variant type: single nucleotide variant.
Coding change: c.2451C>T on transcript NM_025179.4 (MANE Select); coding-DNA position 2451, C replaced by T.
Protein change: p.Ala817=; no amino-acid change (alanine 817 retained).
Molecular consequence: synonymous variant.
Genome position (GRCh38, 1-based): chr1:208,079,395, G>A on the plus strand (C>T on the coding strand, the complement: PLXNA2 is on the minus strand). VCF-style: chr1-208079395-G-A. GRCh37 (hg19) VCF-style: chr1-208252740-G-A.
Other names: c.2451C>T (NM_025179.3).
Identifiers: ClinVar variation 1168823 (VCV001168823.11), dbSNP rs142754644, ClinGen allele CA1373511.

ClinVar aggregate classification (germline): Benign. Review status: criteria provided, multiple submitters, no conflicts (2 of 4 stars). 3 submissions from 3 submitters: Benign (2). 1 of the submissions does not count toward it. Last evaluated 2026-01-27.

Conditions:
PLXNA2-related disorder. Also called: PLXNA2-related condition.

Allele frequency attached by ClinVar (database versions not stated): 1000 Genomes Project 0.00120; 1000 Genomes Project 30x 0.00125.

Submissions (3):

Labcorp Genetics (formerly Invitae), Labcorp
Classification: Benign. Last evaluated: 2026-01-27. Review status: criteria provided, single submitter. Criteria: Invitae Variant Classification Sherloc (09022015). Collection method: clinical testing. Allele origin: germline.

Breakthrough Genomics
Classification: Benign. Review status: criteria provided, single submitter. Criteria: ACMG Guidelines, 2015. Collection method: not provided. Allele origin: germline. Inheritance: Unknown mechanism. Affected: yes.

PreventionGenetics, part of Exact Sciences
Classification: Likely benign for PLXNA2-related condition. Last evaluated: 2022-08-16. Review status: no assertion criteria provided. Collection method: clinical testing. Allele origin: germline. Not counted in ClinVar's aggregate classification.
Comment: This variant is classified as likely benign based on ACMG/AMP sequence variant interpretation guidelines (Richards et al. 2015 PMID: 25741868, with internal and published modifications).